The following is an entry in ClinVar:

ClinVar aggregate classification (germline): Uncertain significance (1 of 4 stars; one submission).

Conditions:
Cornelia de Lange syndrome 1 (CDLS1). Also called: Brachmann de Lange syndrome; NIPBL-Related Cornelia de Lange Syndrome; TYPUS DEGENERATIVUS AMSTELODAMENSIS. Identifiers: Orphanet 199, MedGen C4551851, MONDO:0007387, OMIM 122470.

Submission:

Labcorp Genetics (formerly Invitae), Labcorp
Classification: Uncertain significance for Cornelia de Lange syndrome 1. Last evaluated: 2022-02-09. Review status: criteria provided, single submitter. Criteria: Invitae Variant Classification Sherloc (09022015). Collection method: clinical testing. Allele origin: germline.
Comment: This variant is not present in population databases (gnomAD no frequency). In summary, the available evidence is currently insufficient to determine the role of this variant in disease. Therefore, it has been classified as a Variant of Uncertain Significance. Advanced modeling of protein sequence and biophysical properties (such as structural, functional, and spatial information, amino acid conservation, physicochemical variation, residue mobility, and thermodynamic stability) performed at Invitae indicates that this missense variant is expected to disrupt NIPBL protein function. This variant has not been reported in the literature in individuals affected with NIPBL-related conditions. This sequence change replaces lysine, which is basic and polar, with glutamic acid, which is acidic and polar, at codon 2235 of the NIPBL protein (p.Lys2235Glu).

NM_133433.4(NIPBL):c.6703A>G (p.Lys2235Glu)

Gene: NIPBL (NIPBL cohesin loading factor; plus strand). Cytogenetic location: 5p13.2.
Variant type: single nucleotide variant.
Coding change: c.6703A>G on transcript NM_133433.4 (MANE Select); coding-DNA position 6703, A replaced by G.
Protein change: p.Lys2235Glu; replaces lysine 2235 with glutamic acid.
Molecular consequence: missense variant.
Genome position (GRCh38, 1-based): chr5:37,048,615, A>G. VCF-style: chr5-37048615-A-G. GRCh37 (hg19) VCF-style: chr5-37048717-A-G.
Other names: c.6703A>G, p.Lys2235Glu (NM_015384.5); short protein forms K2235E.
Identifiers: ClinVar variation 2095317 (VCV002095317.4), dbSNP rs2478617842, ClinGen allele CA359508447.